The following is an entry in ClinVar:

NM_005120.3(MED12):c.6070A>T (p.Thr2024Ser)

Gene: MED12 (mediator complex subunit 12; plus strand). Cytogenetic location: Xq13.1.
Variant type: single nucleotide variant.
Coding change: c.6070A>T on transcript NM_005120.3 (MANE Select); coding-DNA position 6070, A replaced by T.
Protein change: p.Thr2024Ser; replaces threonine 2024 with serine.
Molecular consequence: missense variant.
Genome position (GRCh38, 1-based): chrX:71,140,660, A>T. VCF-style: chrX-71140660-A-T. GRCh37 (hg19) VCF-style: chrX-70360510-A-T.
Other names: short protein forms T2024S.
Identifiers: ClinVar variation 2728167 (VCV002728167.3), dbSNP rs2092344662, ClinGen allele CA413539709.

ClinVar aggregate classification (germline): Uncertain significance (1 of 4 stars; one submission).

Conditions:
FG syndrome (FGS). Identifiers: MedGen C0220769, MONDO:0002010.

Allele frequency attached by ClinVar (database versions not stated): gnomAD exomes below 0.00001; TOPMed 0.00001.
gnomAD v4.1: 2 of 1,210,765 alleles (0.00017%); highest among the groups gnomAD compares: Non-Finnish European, 0.00022%; no homozygotes.

Submission:

Labcorp Genetics (formerly Invitae), Labcorp
Classification: Uncertain significance for FG syndrome. Last evaluated: 2025-06-29. Review status: criteria provided, single submitter. Criteria: Invitae Variant Classification Sherloc (09022015). Collection method: clinical testing. Allele origin: germline.
Comment: This sequence change replaces threonine, which is neutral and polar, with serine, which is neutral and polar, at codon 2024 of the MED12 protein (p.Thr2024Ser). This variant is not present in population databases (gnomAD no frequency). This variant has not been reported in the literature in individuals affected with MED12-related conditions. ClinVar contains an entry for this variant (Variation ID: 2728167). Invitae Evidence Modeling of protein sequence and biophysical properties (such as structural, functional, and spatial information, amino acid conservation, physicochemical variation, residue mobility, and thermodynamic stability) indicates that this missense variant is not expected to disrupt MED12 protein function with a negative predictive value of 95%. In summary, the available evidence is currently insufficient to determine the role of this variant in disease. Therefore, it has been classified as a Variant of Uncertain Significance.